The following is an entry in ClinVar:

ClinVar aggregate classification (germline): Likely benign. Review status: criteria provided, multiple submitters, no conflicts (2 of 4 stars). 2 submissions from 2 submitters: Likely benign (2). Last evaluated 2023-02-01.

Allele frequency attached by ClinVar (database versions not stated): 1000 Genomes Project 30x 0.00078; 1000 Genomes Project 0.00080; gnomAD exomes 0.00080; ExAC 0.00081; gnomAD 0.00091 and 0.00093; ESP Exome Variant Server 0.00092; TOPMed 0.00124.
gnomAD v4.1: 1,154 of 1,614,038 alleles (0.071%); highest among the groups gnomAD compares: Middle Eastern, 0.28%; 4 homozygotes.

Submissions (2):

CeGaT Center for Human Genetics Tuebingen
Classification: Likely benign. Last evaluated: 2023-02-01. Review status: criteria provided, single submitter. Criteria: CeGaT Center For Human Genetics Tuebingen Variant Classification Criteria Version 2. Collection method: clinical testing. Allele origin: germline. Affected: yes. Observed: 1 variant allele.
Comment: PLB1: BP4, BP7

Labcorp Genetics (formerly Invitae), Labcorp
Classification: Likely benign. Last evaluated: 2019-01-03. Review status: criteria provided, single submitter. Criteria: Invitae Variant Classification Sherloc (09022015). Collection method: clinical testing. Allele origin: germline.

NM_153021.5(PLB1):c.981C>T (p.His327=)

Gene: PLB1 (phospholipase B1; plus strand). Cytogenetic location: 2p23.2.
Variant type: single nucleotide variant.
Coding change: c.981C>T on transcript NM_153021.5 (MANE Select); coding-DNA position 981, C replaced by T.
Protein change: p.His327=; no amino-acid change (histidine 327 retained).
Molecular consequence: synonymous variant.
Genome position (GRCh38, 1-based): chr2:28,548,904, C>T. VCF-style: chr2-28548904-C-T. GRCh37 (hg19) VCF-style: chr2-28771771-C-T.
Other names: c.1014C>T, p.His338= (NM_001170585.2).
Identifiers: ClinVar variation 718310 (VCV000718310.27), dbSNP rs144322203, ClinGen allele CA1587229.